The following is an entry in ClinVar:

ClinVar aggregate classification (germline): Uncertain significance (1 of 4 stars; one submission).

Allele frequency attached by ClinVar (database versions not stated): gnomAD 0.00001; TOPMed 0.00001; gnomAD exomes 0.00002; ExAC 0.00007.
gnomAD v4.1: 16 of 1,609,758 alleles (0.00099%); highest among the groups gnomAD compares: Admixed American, 0.027%; no homozygotes.

Submission:

Labcorp Genetics (formerly Invitae), Labcorp
Classification: Uncertain significance. Last evaluated: 2025-01-08. Review status: criteria provided, single submitter. Criteria: Invitae Variant Classification Sherloc (09022015). Collection method: clinical testing. Allele origin: germline.
Comment: This sequence change replaces isoleucine, which is neutral and non-polar, with threonine, which is neutral and polar, at codon 186 of the MS4A1 protein (p.Ile186Thr). This variant is present in population databases (rs779655185, gnomAD 0.04%). This variant has not been reported in the literature in individuals affected with MS4A1-related conditions. ClinVar contains an entry for this variant (Variation ID: 1909645). An algorithm developed to predict the effect of missense changes on protein structure and function (PolyPhen-2) suggests that this variant is likely to be disruptive. In summary, the available evidence is currently insufficient to determine the role of this variant in disease. Therefore, it has been classified as a Variant of Uncertain Significance.

NM_152866.3(MS4A1):c.557T>C (p.Ile186Thr)

Gene: MS4A1 (membrane spanning 4-domains A1; plus strand). Cytogenetic location: 11q12.2.
Variant type: single nucleotide variant.
Coding change: c.557T>C on transcript NM_152866.3 (MANE Select); coding-DNA position 557, T replaced by C.
Protein change: p.Ile186Thr; replaces isoleucine 186 with threonine.
Molecular consequence: missense variant.
Genome position (GRCh38, 1-based): chr11:60,466,141, T>C. VCF-style: chr11-60466141-T-C. GRCh37 (hg19) VCF-style: chr11-60233614-T-C.
Other names: c.557T>C, p.Ile186Thr (NM_021950.4, NM_152867.2); short protein forms I186T.
Identifiers: ClinVar variation 1909645 (VCV001909645.5), dbSNP rs779655185, ClinGen allele CA6025014.